The following is an entry in ClinVar:

NM_004525.3(LRP2):c.8352G>C (p.Thr2784=)

Gene: LRP2 (LDL receptor related protein 2; minus strand). Cytogenetic location: 2q31.1.
Variant type: single nucleotide variant.
Coding change: c.8352G>C on transcript NM_004525.3 (MANE Select); coding-DNA position 8352, G replaced by C.
Protein change: p.Thr2784=; no amino-acid change (threonine 2784 retained).
Molecular consequence: synonymous variant.
Genome position (GRCh38, 1-based): chr2:169,201,728, C>G on the plus strand (G>C on the coding strand, the complement: LRP2 is on the minus strand). VCF-style: chr2-169201728-C-G. GRCh37 (hg19) VCF-style: chr2-170058238-C-G.
Identifiers: ClinVar variation 746759 (VCV000746759.33), dbSNP rs200194530, ClinGen allele CA1953882.

ClinVar aggregate classification (germline): Likely benign. Review status: criteria provided, multiple submitters, no conflicts (2 of 4 stars). 3 submissions from 3 submitters: Likely benign (3). Last evaluated 2026-01-20.

Conditions:
Donnai-Barrow syndrome. Also called: FACIOOCULOACOUSTICORENAL SYNDROME; DBS/FOAR SYNDROME. Identifiers: Orphanet 2143, MedGen C1857277, MONDO:0009104, OMIM 222448.

Allele frequency attached by ClinVar (database versions not stated): gnomAD 0.00016; TOPMed 0.00016; 1000 Genomes Project 30x 0.00031; 1000 Genomes Project 0.00040.
gnomAD v4.1: 49 of 1,614,146 alleles (0.003%); highest among the groups gnomAD compares: African/African-American, 0.056%; no homozygotes.

Submissions (3):

Labcorp Genetics (formerly Invitae), Labcorp
Classification: Likely benign. Last evaluated: 2026-01-20. Review status: criteria provided, single submitter. Criteria: Invitae Variant Classification Sherloc (09022015). Collection method: clinical testing. Allele origin: germline.

CeGaT Center for Human Genetics Tuebingen
Classification: Likely benign. Last evaluated: 2022-11-01. Review status: criteria provided, single submitter. Criteria: CeGaT Center For Human Genetics Tuebingen Variant Classification Criteria Version 2. Collection method: clinical testing. Allele origin: germline. Affected: yes. Observed: 1 variant allele.
Comment: LRP2: BP4, BP7

Fulgent Genetics
Classification: Likely benign for Donnai-Barrow syndrome. Last evaluated: 2021-07-19. Review status: criteria provided, single submitter. Criteria: ACMG Guidelines, 2015. Collection method: clinical testing. Allele origin: unknown.